The following is an entry in ClinVar:

NM_003924.4(PHOX2B):c.63G>A (p.Met21Ile)

Genes: PHOX2B-AS1 (PHOX2B antisense RNA 1; plus strand), PHOX2B (paired like homeobox 2B; minus strand). Cytogenetic location: 4p13.
Variant type: single nucleotide variant.
Coding change: c.63G>A on transcript NM_003924.4 (MANE Select); coding-DNA position 63, G replaced by A.
Protein change: p.Met21Ile; replaces methionine 21 with isoleucine.
Molecular consequence: missense variant. On other transcripts: non-coding transcript variant (1).
Genome position (GRCh38, 1-based): chr4:41,748,548, C>T on the plus strand (G>A on the coding strand, the complement: PHOX2B is on the minus strand). VCF-style: chr4-41748548-C-T. GRCh37 (hg19) VCF-style: chr4-41750565-C-T.
Other names: short protein forms M21I.
Identifiers: ClinVar variation 3223592 (VCV003223592.1), dbSNP rs2552097191, ClinGen allele CA356741203.

ClinVar aggregate classification (germline): Uncertain significance (1 of 4 stars; one submission).

Conditions:
Hereditary cancer-predisposing syndrome. Also called: Tumor predisposition; Hereditary neoplastic syndrome; Hereditary Cancer Syndrome; Neoplastic Syndromes, Hereditary. Identifiers: Orphanet 140162, MedGen C0027672, MeSH D009386, MONDO:0015356.

Submission:

Ambry Genetics
Classification: Uncertain significance for Hereditary cancer-predisposing syndrome. Last evaluated: 2023-10-27. Review status: criteria provided, single submitter. Criteria: Ambry Variant Classification Scheme 2023. Collection method: clinical testing. Allele origin: germline.
Comment: The p.M21I variant (also known as c.63G>A), located in coding exon 1 of the PHOX2B gene, results from a G to A substitution at nucleotide position 63. The methionine at codon 21 is replaced by isoleucine, an amino acid with highly similar properties. This amino acid position is conserved. In addition, the in silico prediction for this alteration is inconclusive. Since supporting evidence is limited at this time, the clinical significance of this alteration remains unclear.